The following is an entry in ClinVar:

ClinVar aggregate classification (germline): Uncertain significance (1 of 4 stars; one submission).

Conditions:
Maturity-onset diabetes of the young type 10. Identifiers: Orphanet 552, MedGen C3150617, MONDO:0013240, OMIM 613370.

gnomAD v4.1: 2 of 1,606,194 alleles (0.00012%); highest among the groups gnomAD compares: Admixed American, 0.0017%; no homozygotes.

Submission:

Clinical Genomics Laboratory, Washington University in St. Louis
Classification: Uncertain significance for Maturity-onset diabetes of the young type 10. Last evaluated: 2026-02-06. Review status: criteria provided, single submitter. Criteria: ACMG Guidelines, 2015. Collection method: clinical testing. Allele origin: germline.
Comment: An INS c.*34T>A variant, occurring in the 3' untranslated region, was identified in a heterozygous state. This variant, to our knowledge, has not been reported in the medical literature or the ClinVar database and is absent from the general population (gnomAD v2.1.1), indicating it is not a common variant. Due to limited information, and based on ACMG/AMP guidelines for variant interpretation (Richards S et al., PMID: 25741868), the clinical significance of this variant is uncertain at this time.

NM_000207.3(INS):c.*34T>A

Genes: INS (insulin; minus strand), INS-IGF2 (INS-IGF2 readthrough; minus strand). Cytogenetic location: 11p15.5.
Variant type: single nucleotide variant.
Coding change: c.*34T>A on transcript NM_000207.3 (MANE Select); 34 bases downstream of the stop codon, T replaced by A.
Molecular consequence: 3 prime UTR variant. On other transcripts: intron variant (1).
Genome position (GRCh38, 1-based): chr11:2,159,818, A>T on the plus strand (T>A on the coding strand, the complement: INS is on the minus strand). VCF-style: chr11-2159818-A-T. GRCh37 (hg19) VCF-style: chr11-2181048-A-T.
Other names: c.*34T>A (NM_001185097.2, NM_001185098.2, NM_001291897.2); c.187+967T>A (NM_001042376.3).
Identifiers: ClinVar variation 4974622 (VCV004974622.1).